The following is an entry in ClinVar:

NM_004974.4(KCNA2):c.1127G>C (p.Gly376Ala)

Gene: KCNA2 (potassium voltage-gated channel subfamily A member 2; minus strand). Cytogenetic location: 1p13.3.
Variant type: single nucleotide variant.
Coding change: c.1127G>C on transcript NM_004974.4 (MANE Select); coding-DNA position 1127, G replaced by C.
Protein change: p.Gly376Ala; replaces glycine 376 with alanine.
Molecular consequence: missense variant. On other transcripts: intron variant (1).
Genome position (GRCh38, 1-based): chr1:110,603,656, C>G on the plus strand (G>C on the coding strand, the complement: KCNA2 is on the minus strand). VCF-style: chr1-110603656-C-G. GRCh37 (hg19) VCF-style: chr1-111146278-C-G.
Other names: c.894+233G>C (NM_001204269.2); short protein forms G376A.
Identifiers: ClinVar variation 577200 (VCV000577200.9), dbSNP rs1557732017, ClinGen allele CA341601734.

ClinVar aggregate classification (germline): Uncertain significance (1 of 4 stars; one submission).

Conditions:
Developmental and epileptic encephalopathy, 32 (DEE32). Also called: Epileptic encephalopathy, early infantile, 32. Identifiers: Orphanet 442835, MedGen C4225350, MONDO:0014607, OMIM 616366.

Submission:

Labcorp Genetics (formerly Invitae), Labcorp
Classification: Uncertain significance for Developmental and epileptic encephalopathy, 32. Last evaluated: 2023-08-30. Review status: criteria provided, single submitter. Criteria: Invitae Variant Classification Sherloc (09022015). Collection method: clinical testing. Allele origin: germline.
Comment: Advanced modeling of protein sequence and biophysical properties (such as structural, functional, and spatial information, amino acid conservation, physicochemical variation, residue mobility, and thermodynamic stability) performed at Invitae indicates that this missense variant is expected to disrupt KCNA2 protein function. This sequence change replaces glycine, which is neutral and non-polar, with alanine, which is neutral and non-polar, at codon 376 of the KCNA2 protein (p.Gly376Ala). This variant is not present in population databases (gnomAD no frequency). This variant has not been reported in the literature in individuals affected with KCNA2-related conditions. ClinVar contains an entry for this variant (Variation ID: 577200). In summary, the available evidence is currently insufficient to determine the role of this variant in disease. Therefore, it has been classified as a Variant of Uncertain Significance.